The following is an entry in ClinVar:

NM_001134831.2(AHI1):c.3165+5G>C

Gene: AHI1 (Abelson helper integration site 1; minus strand). Cytogenetic location: 6q23.3.
Variant type: single nucleotide variant.
Coding change: c.3165+5G>C on transcript NM_001134831.2 (MANE Select); 5 bases into the intron after coding-DNA position 3165, G replaced by C.
Molecular consequence: intron variant.
Genome position (GRCh38, 1-based): chr6:135,358,127, C>G on the plus strand (G>C on the coding strand, the complement: AHI1 is on the minus strand). VCF-style: chr6-135358127-C-G. GRCh37 (hg19) VCF-style: chr6-135679265-C-G.
Other names: c.3165+5G>C (NM_001134830.2, NM_001350503.2, NM_017651.5 and 1 more transcripts).
Identifiers: ClinVar variation 1432860 (VCV001432860.4), dbSNP rs768634892, ClinGen allele CA4012095.

ClinVar aggregate classification (germline): Uncertain significance. Review status: criteria provided, multiple submitters, no conflicts (2 of 4 stars). 2 submissions from 2 submitters: Uncertain significance (2). Last evaluated 2022-10-18.

Conditions:
Joubert syndrome. Also called: Familial aplasia of the vermis; JOUBERT-BOLTSHAUSER SYNDROME. Identifiers: Orphanet 475, MedGen C5979921, MONDO:0018772.

Allele frequency attached by ClinVar (database versions not stated): gnomAD exomes below 0.00001 and 0.00001; ExAC 0.00002.
gnomAD v4.1: 1 of 1,611,478 alleles (0.000062%); highest among the groups gnomAD compares: Non-Finnish European, 0.000085%; no homozygotes.

Submissions (2):

Labcorp Genetics (formerly Invitae), Labcorp
Classification: Uncertain significance for Joubert syndrome. Last evaluated: 2022-10-18. Review status: criteria provided, single submitter. Criteria: Invitae Variant Classification Sherloc (09022015). Collection method: clinical testing. Allele origin: germline.
Comment: This sequence change falls in intron 23 of the AHI1 gene. It does not directly change the encoded amino acid sequence of the AHI1 protein. It affects a nucleotide within the consensus splice site. This variant is present in population databases (rs768634892, gnomAD 0.006%). This variant has not been reported in the literature in individuals affected with AHI1-related conditions. ClinVar contains an entry for this variant (Variation ID: 1432860). Variants that disrupt the consensus splice site are a relatively common cause of aberrant splicing (PMID: 17576681, 9536098). Algorithms developed to predict the effect of sequence changes on RNA splicing suggest that this variant may disrupt the consensus splice site. In summary, the available evidence is currently insufficient to determine the role of this variant in disease. Therefore, it has been classified as a Variant of Uncertain Significance.

Blueprint Genetics
Classification: Uncertain significance. Last evaluated: 2019-07-12. Review status: criteria provided, single submitter. Criteria: ACMG Guidelines, 2015. Collection method: clinical testing. Allele origin: germline.

Literature cited by the submitters: PubMed 17576681 (cited by Labcorp Genetics (formerly Invitae), Labcorp); PubMed 9536098 (cited by Labcorp Genetics (formerly Invitae), Labcorp).